The following is an entry in ClinVar:

ClinVar aggregate classification (germline): Uncertain significance (1 of 4 stars; one submission).

Allele frequency attached by ClinVar (database versions not stated): gnomAD exomes below 0.00001.
gnomAD v4.1: 2 of 1,607,310 alleles (0.00012%); highest among the groups gnomAD compares: Non-Finnish European, 0.00017%; no homozygotes.

Submission:

GeneDx
Classification: Uncertain significance. Last evaluated: 2022-02-27. Review status: criteria provided, single submitter. Criteria: GeneDx Variant Classification Process June 2021. Collection method: clinical testing. Allele origin: germline. Affected: yes.
Comment: Not observed at significant frequency in large population cohorts (gnomAD); In silico analysis supports that this missense variant has a deleterious effect on protein structure/function; Has not been previously published as pathogenic or benign to our knowledge

NM_004366.6(CLCN2):c.1766C>T (p.Pro589Leu)

Gene: CLCN2 (chloride voltage-gated channel 2; minus strand). Cytogenetic location: 3q27.1.
Variant type: single nucleotide variant.
Coding change: c.1766C>T on transcript NM_004366.6 (MANE Select); coding-DNA position 1766, C replaced by T.
Protein change: p.Pro589Leu; replaces proline 589 with leucine.
Molecular consequence: missense variant.
Genome position (GRCh38, 1-based): chr3:184,353,751, G>A on the plus strand (C>T on the coding strand, the complement: CLCN2 is on the minus strand). VCF-style: chr3-184353751-G-A. GRCh37 (hg19) VCF-style: chr3-184071539-G-A.
Other names: c.1715C>T, p.Pro572Leu (NM_001171087.3); c.1634C>T, p.Pro545Leu (NM_001171088.3); c.1766C>T, p.Pro589Leu (NM_001171089.3); short protein forms P545L, P572L, P589L.
Identifiers: ClinVar variation 1703392 (VCV001703392.2), dbSNP rs2474241142, ClinGen allele CA355449300.